The following is an entry in ClinVar:

ClinVar aggregate classification (germline): Uncertain significance (1 of 4 stars; one submission).

Submission:

Labcorp Genetics (formerly Invitae), Labcorp
Classification: Uncertain significance. Last evaluated: 2025-12-31. Review status: criteria provided, single submitter. Criteria: Invitae Variant Classification Sherloc (09022015). Collection method: clinical testing. Allele origin: germline.
Comment: This variant, c.2011_2013del, results in the deletion of 1 amino acid(s) of the ACTN4 protein (p.Glu671del), but otherwise preserves the integrity of the reading frame. This variant is not present in population databases (gnomAD no frequency). This variant has not been reported in the literature in individuals affected with ACTN4-related conditions. Experimental studies and prediction algorithms are not available or were not evaluated, and the functional significance of this variant is currently unknown. Algorithms developed to predict the effect of sequence changes on RNA splicing suggest that this variant may disrupt the consensus splice site. In summary, the available evidence is currently insufficient to determine the role of this variant in disease. Therefore, it has been classified as a Variant of Uncertain Significance.

NC_000019.10:g.38725724_38725726del

Gene: ACTN4 (actinin alpha 4; plus strand). Cytogenetic location: 19q13.2.
Variant type: Deletion.
Genome position: GRCh38 VCF-style: chr19-38725721-TAGG-T. GRCh37 (hg19) VCF-style: chr19-39216361-TAGG-T.
Identifiers: ClinVar variation 4733705 (VCV004733705.1).